The following is an entry in ClinVar:

ClinVar aggregate classification (germline): Uncertain significance. Review status: criteria provided, multiple submitters, no conflicts (2 of 4 stars). 2 submissions from 2 submitters: Uncertain significance (2). Last evaluated 2025-11-20.

Conditions:
Inborn genetic diseases. Identifiers: MedGen C0950123, MeSH D030342.
Nephronophthisis. Also called: Juvenile Nephronophthisis. Identifiers: Orphanet 655, MedGen C0687120, MONDO:0019005, HP:0000090.

Allele frequency attached by ClinVar (database versions not stated): gnomAD 0.00001; gnomAD exomes below 0.00001 and 0.00006; TOPMed 0.00001.
gnomAD v4.1: 85 of 1,613,504 alleles (0.0053%); highest among the groups gnomAD compares: Non-Finnish European, 0.0071%; no homozygotes.

Submissions (2):

Ambry Genetics
Classification: Uncertain significance for Inborn genetic diseases. Last evaluated: 2025-11-20. Review status: criteria provided, single submitter. Criteria: Ambry Variant Classification Scheme 2023. Collection method: clinical testing. Allele origin: germline.

Labcorp Genetics (formerly Invitae), Labcorp
Classification: Uncertain significance for Nephronophthisis. Last evaluated: 2022-03-10. Review status: criteria provided, single submitter. Criteria: Invitae Variant Classification Sherloc (09022015). Collection method: clinical testing. Allele origin: germline.
Comment: This sequence change replaces histidine, which is basic and polar, with glutamine, which is neutral and polar, at codon 1267 of the NPHP4 protein (p.His1267Gln). This variant is present in population databases (no rsID available, gnomAD 0.0009%). This variant has not been reported in the literature in individuals affected with NPHP4-related conditions. ClinVar contains an entry for this variant (Variation ID: 1041105). Algorithms developed to predict the effect of missense changes on protein structure and function are either unavailable or do not agree on the potential impact of this missense change (SIFT: "Tolerated"; PolyPhen-2: "Probably Damaging"; Align-GVGD: "Class C0"). In summary, the available evidence is currently insufficient to determine the role of this variant in disease. Therefore, it has been classified as a Variant of Uncertain Significance.

NM_015102.5(NPHP4):c.3801T>A (p.His1267Gln)

Gene: NPHP4 (nephrocystin 4; minus strand). Cytogenetic location: 1p36.31.
Variant type: single nucleotide variant.
Coding change: c.3801T>A on transcript NM_015102.5 (MANE Select); coding-DNA position 3801, T replaced by A.
Protein change: p.His1267Gln; replaces histidine 1267 with glutamine.
Molecular consequence: missense variant. On other transcripts: non-coding transcript variant (1).
Genome position (GRCh38, 1-based): chr1:5,865,117, A>T on the plus strand (T>A on the coding strand, the complement: NPHP4 is on the minus strand). VCF-style: chr1-5865117-A-T. GRCh37 (hg19) VCF-style: chr1-5925177-A-T.
Other names: c.2262T>A, p.His754Gln (NM_001291593.2); c.2265T>A, p.His755Gln (NM_001291594.2); c.3801T>A (NM_015102.3); short protein forms H1267Q, H755Q, H754Q.
Identifiers: ClinVar variation 1041105 (VCV001041105.8), dbSNP rs1212384350, ClinGen allele CA338049960.
Genomic context (GRCh38, chr1:5,865,117, plus strand): 5'-CTGGGGTTGGGGAGAGGCTCAGAACAGCCCCCAGAGAGGCCGTACCTTCAGCTCCTGGGG[A>T]TGAGAGGTGAAAGCTCTCACTTTCCTCACTGTCTGTGTCCCCCGAAGGACAAGGGACAGG-3'
Protein context (NP_055917.1, residues 1257-1277): TVRKVRAFTS[His1267Gln]PQELKTDPKG